The following is an entry in ClinVar:

ClinVar aggregate classification (germline): Pathogenic. Review status: criteria provided, multiple submitters, no conflicts (2 of 4 stars). 3 submissions from 3 submitters: Pathogenic (2). 1 of the submissions does not count toward it. Last evaluated 2025-02-04.

Conditions:
Leukoencephalopathy with calcifications and cysts. Also called: Leukoencephalopathy, brain calcifications, and cysts; LABRUNE SYNDROME. Identifiers: Orphanet 542310, MedGen C3281200, MONDO:0013803, OMIM 614561.

gnomAD v4.1: 238 of 765,240 alleles (0.031%); highest among the groups gnomAD compares: East Asian, 0.36%; 5 homozygotes.

Submissions (3):

Labcorp Genetics (formerly Invitae), Labcorp
Classification: Pathogenic. Last evaluated: 2025-02-04. Review status: criteria provided, single submitter. Criteria: Invitae Variant Classification Sherloc (09022015). Collection method: clinical testing. Allele origin: germline.
Comment: This variant occurs in the SNORD118 gene, which encodes an RNA molecule that does not result in a protein product. This variant is present in population databases (rs200458465, gnomAD 0.05%). This variant has been observed in individual(s) with leukoencephalopathy with brain calcifications and cysts (PMID: 27571260, 28177126). In at least one individual the data is consistent with being in trans (on the opposite chromosome) from a pathogenic variant. ClinVar contains an entry for this variant (Variation ID: 929290). For these reasons, this variant has been classified as Pathogenic.

Women's Health and Genetics/Laboratory Corporation of America, LabCorp
Classification: Pathogenic for Leukoencephalopathy with calcifications and cysts. Last evaluated: 2024-03-11. Review status: criteria provided, single submitter. Criteria: LabCorp Variant Classification Summary - May 2015. Collection method: clinical testing. Allele origin: germline.
Comment: Variant summary: SNORD118 n.39G>C alters a nucleotide in the non-coding RNA. The variant allele was found at a frequency of 0.00012 in 232004 control chromosomes. n.39G>C has been reported in the literature in multiple individuals affected with Leukoencephalopathy With Calcifications And Cysts (e.g. Jenkinson_2016, Iwama_2017). These data indicate that the variant is very likely to be associated with disease. The following publications have been ascertained in the context of this evaluation (PMID: 27571260, 28177126). ClinVar contains an entry for this variant (Variation ID: 929290). Based on the evidence outlined above, the variant was classified as pathogenic.

Laboratory of Neurogenetics and Neuroinflammation, Institut Imagine
Classification: Pathogenic for Leukoencephalopathy, brain calcifications, and cysts. Last evaluated: 2020-04-06. Review status: no assertion criteria provided. Collection method: clinical testing. Allele origin: germline. Affected: yes. Observed: 2 variant alleles. Not counted in ClinVar's aggregate classification.

Literature cited by the submitters: PubMed 27571260 (cited by Labcorp Genetics (formerly Invitae), Labcorp and Women's Health and Genetics/Laboratory Corporation of America, LabCorp); PubMed 28177126 (cited by 3 submitters); PubMed 29260032 (cited by Laboratory of Neurogenetics and Neuroinflammation, Institut Imagine).

NR_033294.2(SNORD118):n.39G>C

Genes: TMEM107 (transmembrane protein 107; minus strand), SNORD118 (small nucleolar RNA, C/D box 118; minus strand). Cytogenetic location: 17p13.1.
Variant type: single nucleotide variant.
Molecular consequence: non-coding transcript variant (on NR_033294.2). On other transcripts: 3 prime UTR variant (5).
Genome position: GRCh38 VCF-style: chr17-8173550-C-G. GRCh37 (hg19) VCF-style: chr17-8076868-C-G.
Other names: c.*653G>C (NM_001351278.2, NM_001351279.2, NM_001351280.2 and 2 more transcripts).
Identifiers: ClinVar variation 929290 (VCV000929290.7), dbSNP rs200458465, ClinGen allele CA8370757.